The following is an entry in ClinVar:

NM_025009.5(CEP135):c.304G>A (p.Glu102Lys)

Gene: CEP135 (centrosomal protein 135; plus strand). Cytogenetic location: 4q12.
Variant type: single nucleotide variant.
Coding change: c.304G>A on transcript NM_025009.5 (MANE Select); coding-DNA position 304, G replaced by A.
Protein change: p.Glu102Lys; replaces glutamic acid 102 with lysine.
Molecular consequence: missense variant.
Genome position (GRCh38, 1-based): chr4:55,953,275, G>A. VCF-style: chr4-55953275-G-A. GRCh37 (hg19) VCF-style: chr4-56819441-G-A.
Other names: short protein forms E102K.
Identifiers: ClinVar variation 1310903 (VCV001310903.3), dbSNP rs759328636, ClinGen allele CA2927498.
Genomic context (GRCh38, chr4:55,953,275, plus strand): 5'-AATAATGAATTATACCTAGAGTTAATGAAACTGAGAGAACATTCAGACCAACACGTTAAA[G>A]GTAAGTGAAAATTTGATAATTTTTAAAATGCAATGTCTTTGTCCTTTTTATTTTAGAAGG-3'
Protein context (NP_079285.2, residues 92-112): LREHSDQHVK[Glu102Lys]LKTSLKKCAR

ClinVar aggregate classification (germline): Uncertain significance. Review status: criteria provided, multiple submitters, no conflicts (2 of 4 stars). 2 submissions from 2 submitters: Uncertain significance (2). Last evaluated 2022-03-14.

Allele frequency attached by ClinVar (database versions not stated): gnomAD 0.00001 and 0.00002; TOPMed 0.00001; ExAC 0.00002; gnomAD exomes 0.00002.
gnomAD v4.1: 21 of 1,495,466 alleles (0.0014%); highest among the groups gnomAD compares: Middle Eastern, 0.063%; 1 homozygote.

Submissions (2):

Labcorp Genetics (formerly Invitae), Labcorp
Classification: Uncertain significance. Last evaluated: 2022-03-14. Review status: criteria provided, single submitter. Criteria: Invitae Variant Classification Sherloc (09022015). Collection method: clinical testing. Allele origin: germline.
Comment: This sequence change replaces glutamic acid, which is acidic and polar, with lysine, which is basic and polar, at codon 102 of the CEP135 protein (p.Glu102Lys). This variant also falls at the last nucleotide of exon 3, which is part of the consensus splice site for this exon. This variant is present in population databases (rs759328636, gnomAD 0.006%). This variant has not been reported in the literature in individuals affected with CEP135-related conditions. ClinVar contains an entry for this variant (Variation ID: 1310903). Algorithms developed to predict the effect of missense changes on protein structure and function are either unavailable or do not agree on the potential impact of this missense change (SIFT: "Deleterious"; PolyPhen-2: "Benign"; Align-GVGD: "Class C0"). Variants that disrupt the consensus splice site are a relatively common cause of aberrant splicing (PMID: 17576681, 9536098). In summary, the available evidence is currently insufficient to determine the role of this variant in disease. Therefore, it has been classified as a Variant of Uncertain Significance.

GeneDx
Classification: Uncertain significance. Last evaluated: 2019-12-09. Review status: criteria provided, single submitter. Criteria: GeneDx Variant Classification Process June 2021. Collection method: clinical testing. Allele origin: germline. Affected: yes.
Comment: Not observed at a significant frequency in large population cohorts (Lek et al., 2016); In silico analysis, which includes protein predictors and evolutionary conservation, supports that this variant does not alter protein structure/function; Has not been previously published as pathogenic or benign to our knowledge

Literature cited by the submitters: PubMed 17576681 (cited by Labcorp Genetics (formerly Invitae), Labcorp); PubMed 9536098 (cited by Labcorp Genetics (formerly Invitae), Labcorp).